The following is an entry in ClinVar:

ClinVar aggregate classification (germline): Conflicting classifications of pathogenicity. Review status: criteria provided, conflicting classifications (1 of 4 stars). 2 submissions from 2 submitters: Uncertain significance (1); Likely benign (1). Last evaluated 2026-01-28.

Allele frequency attached by ClinVar (database versions not stated): ExAC 0.00002; gnomAD 0.00006; gnomAD exomes 0.00006; TOPMed 0.00008.
gnomAD v4.1: 101 of 1,612,376 alleles (0.0063%); highest among the groups gnomAD compares: Non-Finnish European, 0.008%; no homozygotes.

Submissions (2):

Labcorp Genetics (formerly Invitae), Labcorp
Classification: Uncertain significance. Last evaluated: 2026-01-28. Review status: criteria provided, single submitter. Criteria: Invitae Variant Classification Sherloc (09022015). Collection method: clinical testing. Allele origin: germline.
Comment: This sequence change replaces leucine, which is neutral and non-polar, with phenylalanine, which is neutral and non-polar, at codon 426 of the NAF1 protein (p.Leu426Phe). This variant is present in population databases (rs749559142, gnomAD 0.007%). This variant has not been reported in the literature in individuals affected with NAF1-related conditions. ClinVar contains an entry for this variant (Variation ID: 2731700). An algorithm developed to predict the effect of missense changes on protein structure and function (PolyPhen-2) suggests that this variant is likely to be tolerated. In summary, the available evidence is currently insufficient to determine the role of this variant in disease. Therefore, it has been classified as a Variant of Uncertain Significance.

Blueprint Genetics
Classification: Likely benign. Last evaluated: 2022-06-21. Review status: criteria provided, single submitter. Criteria: ACMG Guidelines, 2015. Collection method: clinical testing. Allele origin: germline.

NM_138386.3(NAF1):c.1276C>T (p.Leu426Phe)

Gene: NAF1 (nuclear assembly factor 1 ribonucleoprotein; minus strand). Cytogenetic location: 4q32.2.
Variant type: single nucleotide variant.
Coding change: c.1276C>T on transcript NM_138386.3 (MANE Select); coding-DNA position 1276, C replaced by T.
Protein change: p.Leu426Phe; replaces leucine 426 with phenylalanine.
Molecular consequence: missense variant. On other transcripts: intron variant (1).
Genome position (GRCh38, 1-based): chr4:163,129,106, G>A on the plus strand (C>T on the coding strand, the complement: NAF1 is on the minus strand). VCF-style: chr4-163129106-G-A. GRCh37 (hg19) VCF-style: chr4-164050258-G-A.
Other names: c.1034-1991C>T (NM_001128931.2); short protein forms L426F.
Identifiers: ClinVar variation 2731700 (VCV002731700.4), dbSNP rs749559142, ClinGen allele CA3126131.